The following is an entry in ClinVar:

NM_001015880.2(PAPSS2):c.409G>A (p.Glu137Lys)

Gene: PAPSS2 (3'-phosphoadenosine 5'-phosphosulfate synthase 2; plus strand). Cytogenetic location: 10q23.31.
Variant type: single nucleotide variant.
Coding change: c.409G>A on transcript NM_001015880.2 (MANE Select); coding-DNA position 409, G replaced by A.
Protein change: p.Glu137Lys; replaces glutamic acid 137 with lysine.
Molecular consequence: missense variant.
Genome position (GRCh38, 1-based): chr10:87,714,071, G>A. VCF-style: chr10-87714071-G-A. GRCh37 (hg19) VCF-style: chr10-89473828-G-A.
Other names: c.409G>A, p.Glu137Lys (NM_004670.4); short protein forms E137K.
Identifiers: ClinVar variation 1897927 (VCV001897927.4), dbSNP rs1853501766, ClinGen allele CA377487082.
Genomic context (GRCh38, chr10:87,714,071, plus strand): 5'-TCTTTTTACATTCTTAATCATATTGCTTTTCAGGATCGTGAGAATGCCCGCAAAATACAT[G>A]AATCAGCAGGGCTGCCATTCTTTGAAATATTTGTAGATGCACCTCTAAATATTTGTGAAA-3'
Protein context (NP_001015880.1, residues 127-147): KDRENARKIH[Glu137Lys]SAGLPFFEIF

ClinVar aggregate classification (germline): Uncertain significance (1 of 4 stars; one submission).

Conditions:
Spondyloepimetaphyseal dysplasia, PAPSS2 type. Also called: BRACHYOLMIA TYPE 4 WITH MILD EPIPHYSEAL AND METAPHYSEAL CHANGES; SPONDYLODYSPLASIA AND PREMATURE PUBARCHE; SEMD, PAKISTANI TYPE. Identifiers: Orphanet 93282, MedGen C2748516, MONDO:0019666, OMIM 612847.

Allele frequency attached by ClinVar (database versions not stated): gnomAD exomes below 0.00001; TOPMed below 0.00001.
gnomAD v4.1: 2 of 1,613,904 alleles (0.00012%); highest among the groups gnomAD compares: Non-Finnish European, 0.00017%; no homozygotes.

Submission:

Labcorp Genetics (formerly Invitae), Labcorp
Classification: Uncertain significance for Spondyloepimetaphyseal dysplasia, PAPSS2 type. Last evaluated: 2021-12-19. Review status: criteria provided, single submitter. Criteria: Invitae Variant Classification Sherloc (09022015). Collection method: clinical testing. Allele origin: germline.
Comment: This variant is not present in population databases (gnomAD no frequency). This sequence change replaces glutamic acid, which is acidic and polar, with lysine, which is basic and polar, at codon 137 of the PAPSS2 protein (p.Glu137Lys). This variant has not been reported in the literature in individuals affected with PAPSS2-related conditions. Algorithms developed to predict the effect of missense changes on protein structure and function (SIFT, PolyPhen-2, Align-GVGD) all suggest that this variant is likely to be tolerated. In summary, the available evidence is currently insufficient to determine the role of this variant in disease. Therefore, it has been classified as a Variant of Uncertain Significance.